The following is an entry in ClinVar:

NM_012414.4(RAB3GAP2):c.702G>C (p.Gln234His)

Gene: RAB3GAP2 (RAB3 GTPase activating non-catalytic protein subunit 2; minus strand). Cytogenetic location: 1q41.
Variant type: single nucleotide variant.
Coding change: c.702G>C on transcript NM_012414.4 (MANE Select); coding-DNA position 702, G replaced by C.
Protein change: p.Gln234His; replaces glutamine 234 with histidine.
Molecular consequence: missense variant.
Genome position (GRCh38, 1-based): chr1:220,205,917, C>G on the plus strand (G>C on the coding strand, the complement: RAB3GAP2 is on the minus strand). VCF-style: chr1-220205917-C-G. GRCh37 (hg19) VCF-style: chr1-220379259-C-G.
Other names: short protein forms Q234H.
Identifiers: ClinVar variation 957211 (VCV000957211.9), dbSNP rs1658954750, ClinGen allele CA344730002.
Genomic context (GRCh38, chr1:220,205,917, plus strand): 5'-AAATAAAACAAACATTAACAGAGGTTAAATATTTCTTGCCAAAATATTACCTTTTGCTAC[C>G]TGATTTCGACAAGCACGAAGAGATTGAAAAAGGCTAAATCCATCAATAGTCACAATGGCA-3'
Protein context (NP_036546.2, residues 224-244): LFQSLRACRN[Gln234His]VAKAAASGNE

ClinVar aggregate classification (germline): Uncertain significance (1 of 4 stars; one submission).

Conditions:
Warburg micro syndrome 2 (WARBM2). Also called: MICRO SYNDROME 2. Identifiers: Orphanet 2510, MedGen C3280214, MONDO:0013641, OMIM 614225.
Martsolf syndrome (MARTS). Also called: Congenital cataract with intellectual disability and hypogonadotropic hypogonadism syndrome. Identifiers: Orphanet 1387, MedGen C0796037, MONDO:0023910.

Submission:

Labcorp Genetics (formerly Invitae), Labcorp
Classification: Uncertain significance for Martsolf syndrome; Warburg micro syndrome 2. Last evaluated: 2019-10-02. Review status: criteria provided, single submitter. Criteria: Invitae Variant Classification Sherloc (09022015). Collection method: clinical testing. Allele origin: germline.
Comment: Algorithms developed to predict the effect of missense changes on protein structure and function are either unavailable or do not agree on the potential impact of this missense change (SIFT: "Tolerated"; PolyPhen-2: "Probably Damaging"; Align-GVGD: "Class C0"). In summary, the available evidence is currently insufficient to determine the role of this variant in disease. Therefore, it has been classified as a Variant of Uncertain Significance. This variant has not been reported in the literature in individuals with RAB3GAP2-related conditions. This variant is not present in population databases (ExAC no frequency). This sequence change replaces glutamine with histidine at codon 234 of the RAB3GAP2 protein (p.Gln234His). The glutamine residue is moderately conserved and there is a small physicochemical difference between glutamine and histidine.